The following is an entry in ClinVar:

ClinVar aggregate classification (germline): Uncertain significance (1 of 4 stars; one submission).

gnomAD v4.1: 13 of 1,608,610 alleles (0.00081%); highest among the groups gnomAD compares: Non-Finnish European, 0.0011%; no homozygotes.

Submission:

Labcorp Genetics (formerly Invitae), Labcorp
Classification: Uncertain significance. Last evaluated: 2022-03-26. Review status: criteria provided, single submitter. Criteria: Invitae Variant Classification Sherloc (09022015). Collection method: clinical testing. Allele origin: germline.
Comment: In summary, the available evidence is currently insufficient to determine the role of this variant in disease. Therefore, it has been classified as a Variant of Uncertain Significance. Advanced modeling of protein sequence and biophysical properties (such as structural, functional, and spatial information, amino acid conservation, physicochemical variation, residue mobility, and thermodynamic stability) performed at Invitae indicates that this missense variant is not expected to disrupt LRP2 protein function. This variant has not been reported in the literature in individuals affected with LRP2-related conditions. This variant is present in population databases (no rsID available, gnomAD 0.002%). This sequence change replaces threonine, which is neutral and polar, with serine, which is neutral and polar, at codon 4568 of the LRP2 protein (p.Thr4568Ser).

NM_004525.3(LRP2):c.13703C>G (p.Thr4568Ser)

Gene: LRP2 (LDL receptor related protein 2; minus strand). Cytogenetic location: 2q31.1.
Variant type: single nucleotide variant.
Coding change: c.13703C>G on transcript NM_004525.3 (MANE Select); coding-DNA position 13703, C replaced by G.
Protein change: p.Thr4568Ser; replaces threonine 4568 with serine.
Molecular consequence: missense variant.
Genome position (GRCh38, 1-based): chr2:169,132,599, G>C on the plus strand (C>G on the coding strand, the complement: LRP2 is on the minus strand). VCF-style: chr2-169132599-G-C. GRCh37 (hg19) VCF-style: chr2-169989109-G-C.
Other names: short protein forms T4568S.
Identifiers: ClinVar variation 2117139 (VCV002117139.4), dbSNP rs1382818321, ClinGen allele CA349150693.